The following is an entry in ClinVar:

NM_004380.3(CREBBP):c.16C>T (p.Leu6=)

Gene: CREBBP (CREB binding lysine acetyltransferase; minus strand). Cytogenetic location: 16p13.3.
Variant type: single nucleotide variant.
Coding change: c.16C>T on transcript NM_004380.3 (MANE Select); coding-DNA position 16, C replaced by T.
Protein change: p.Leu6=; no amino-acid change (leucine 6 retained).
Molecular consequence: synonymous variant.
Genome position (GRCh38, 1-based): chr16:3,879,901, G>A on the plus strand (C>T on the coding strand, the complement: CREBBP is on the minus strand). VCF-style: chr16-3879901-G-A. GRCh37 (hg19) VCF-style: chr16-3929902-G-A.
Other names: c.16C>T, p.Leu6= (NM_001079846.1).
Identifiers: ClinVar variation 3054198 (VCV003054198.2), dbSNP rs1023187476, ClinGen allele CA277015305.

ClinVar aggregate classification (germline): Likely benign (0 of 4 stars; one submission).

Conditions:
CREBBP-related disorder. Also called: CREBBP-related disorders; CREBBP-related condition.

Allele frequency attached by ClinVar (database versions not stated): TOPMed 0.00003.
gnomAD v4.1: 6 of 1,612,480 alleles (0.00037%); highest among the groups gnomAD compares: African/African-American, 0.008%; no homozygotes.

Submission:

PreventionGenetics, part of Exact Sciences
Classification: Likely benign for CREBBP-related condition. Last evaluated: 2022-06-21. Review status: no assertion criteria provided. Collection method: clinical testing. Allele origin: germline.
Comment: This variant is classified as likely benign based on ACMG/AMP sequence variant interpretation guidelines (Richards et al. 2015 PMID: 25741868, with internal and published modifications).